The following is an entry in ClinVar:

ClinVar aggregate classification (germline): Uncertain significance (1 of 4 stars; one submission).

Conditions:
Hereditary cancer-predisposing syndrome. Also called: Neoplastic Syndromes, Hereditary; Hereditary Cancer Syndrome; Tumor predisposition; Hereditary neoplastic syndrome. Identifiers: Orphanet 140162, MedGen C0027672, MeSH D009386, MONDO:0015356.

Submission:

Ambry Genetics
Classification: Uncertain significance for Hereditary cancer-predisposing syndrome. Last evaluated: 2022-12-18. Review status: criteria provided, single submitter. Criteria: Ambry Variant Classification Scheme 2023. Collection method: clinical testing. Allele origin: germline.
Comment: The p.R872T variant (also known as c.2615G>C), located in coding exon 17 of the CTNNA1 gene, results from a G to C substitution at nucleotide position 2615. The arginine at codon 872 is replaced by threonine, an amino acid with similar properties. This amino acid position is conserved. In addition, the in silico prediction for this alteration is inconclusive. Since supporting evidence is limited at this time, the clinical significance of this alteration remains unclear.

NM_001903.5(CTNNA1):c.2615G>C (p.Arg872Thr)

Gene: CTNNA1 (catenin alpha 1; plus strand). Cytogenetic location: 5q31.2.
Variant type: single nucleotide variant.
Coding change: c.2615G>C on transcript NM_001903.5 (MANE Select); coding-DNA position 2615, G replaced by C.
Protein change: p.Arg872Thr; replaces arginine 872 with threonine.
Molecular consequence: missense variant. On other transcripts: 3 prime UTR variant (5).
Genome position (GRCh38, 1-based): chr5:138,933,983, G>C. VCF-style: chr5-138933983-G-C. GRCh37 (hg19) VCF-style: chr5-138269672-G-C.
Other names: c.*160G>C (NM_001290307.3, NM_001324002.1, NM_001324003.1 and 2 more transcripts); c.2306G>C, p.Arg769Thr (NM_001290309.3); c.2246G>C, p.Arg749Thr (NM_001290310.3); c.1505G>C, p.Arg502Thr (NM_001290312.1, NM_001323987.1, NM_001323988.1 and 12 more transcripts); c.2615G>C, p.Arg872Thr (NM_001323982.2, NM_001323983.1, NM_001323984.2); c.2588G>C, p.Arg863Thr (NM_001323985.2); c.2522G>C, p.Arg841Thr (NM_001323986.2); c.1370G>C, p.Arg457Thr (NM_001324001.1); and 3 more; short protein forms R389T, R502T, R749T, R421T, R471T, R841T, R863T, R457T.
Identifiers: ClinVar variation 2448338 (VCV002448338.2), dbSNP rs2533954487, ClinGen allele CA361135606.